The following is an entry in ClinVar:

ClinVar aggregate classification (germline): Pathogenic (1 of 4 stars; one submission).

Submission:

Labcorp Genetics (formerly Invitae), Labcorp
Classification: Pathogenic. Last evaluated: 2022-06-12. Review status: criteria provided, single submitter. Criteria: Invitae Variant Classification Sherloc (09022015). Collection method: clinical testing. Allele origin: germline.
Comment: This sequence change creates a premature translational stop signal (p.Lys223Asnfs*2) in the LCA5 gene. It is expected to result in an absent or disrupted protein product. Loss-of-function variants in LCA5 are known to be pathogenic (PMID: 17546029, 23946133). This variant is not present in population databases (gnomAD no frequency). This variant has not been reported in the literature in individuals affected with LCA5-related conditions. Algorithms developed to predict the effect of sequence changes on RNA splicing suggest that this variant may disrupt the consensus splice site. For these reasons, this variant has been classified as Pathogenic.

Literature cited by the submitters: PubMed 17546029; PubMed 23946133.

NM_001122769.3(LCA5):c.669_672del (p.Lys223fs)

Gene: LCA5 (lebercilin LCA5; minus strand). Cytogenetic location: 6q14.1.
Variant type: Deletion.
Coding change: c.669_672del on transcript NM_001122769.3 (MANE Select); coding-DNA positions 669 to 672, 4 bases deleted (GAAA; older notation c.669_672delGAAA).
Protein change: p.Lys223fs; shifts the reading frame from lysine 223.
Molecular consequence: frameshift variant.
Genome position (GRCh38, 1-based): chr6:79,513,260-79,513,263, TTTC deleted on the plus strand (GAAA on the coding strand, the reverse complement: LCA5 is on the minus strand); deleting any 4 consecutive bases within chr6:79,513,260-79,513,266 gives the same sequence; the c. name uses the placement nearest the transcript's 3' end. VCF-style (leftmost placement, unchanged base first): chr6-79513259-GTTTC-G. GRCh37 (hg19) VCF-style: chr6-80222976-GTTTC-G.
Other names: c.669_672del, p.Lys223fs (NM_181714.4); short protein forms K223fs.
Identifiers: ClinVar variation 2000866 (VCV002000866.4), dbSNP rs2533438238, ClinGen allele CA2580075879.